The following is an entry in ClinVar:

ClinVar aggregate classification (germline): Likely benign (0 of 4 stars; one submission).

Conditions:
KCNQ1-related disorder. Also called: KCNQ1-related condition; KCNQ1-related disorders. Identifiers: MedGen CN239322.

Allele frequency attached by ClinVar (database versions not stated): TOPMed 0.00015; gnomAD exomes 0.00017; gnomAD 0.00021; 1000 Genomes Project 30x 0.00031; 1000 Genomes Project 0.00040.
gnomAD v4.1: 73 of 398,662 alleles (0.018%); highest among the groups gnomAD compares: East Asian, 0.1%; no homozygotes.

Submission:

PreventionGenetics, part of Exact Sciences
Classification: Likely benign for KCNQ1-related condition. Last evaluated: 2020-02-20. Review status: no assertion criteria provided. Collection method: clinical testing. Allele origin: germline.
Comment: This variant is classified as likely benign based on ACMG/AMP sequence variant interpretation guidelines (Richards et al. 2015 PMID: 25741868, with internal and published modifications).

NM_000218.3(KCNQ1):c.1514+4305C>T

Genes: KCNQ1 (potassium voltage-gated channel subfamily Q member 1; plus strand), KCNQ1OT1 (KCNQ1 opposite strand/antisense transcript 1; minus strand). Cytogenetic location: 11p15.5.
Variant type: single nucleotide variant.
Coding change: c.1514+4305C>T on transcript NM_000218.3 (MANE Select); 4305 bases into the intron after coding-DNA position 1514, C replaced by T.
Molecular consequence: intron variant. On other transcripts: non-coding transcript variant (1).
Genome position (GRCh38, 1-based): chr11:2,666,386, C>T. VCF-style: chr11-2666386-C-T. GRCh37 (hg19) VCF-style: chr11-2687616-C-T.
Other names: c.1244+4305C>T (NM_001406837.1); c.1418+4305C>T (NM_001406836.1); c.974+4305C>T (NM_001406838.1); c.1133+4305C>T (NM_181798.2).
Identifiers: ClinVar variation 3049109 (VCV003049109.2), dbSNP rs554281070, ClinGen allele CA216174726.